The following is an entry in ClinVar:

NM_000535.7(PMS2):c.942T>C (p.Asn314=)

Gene: PMS2 (PMS1 homolog 2, mismatch repair system component; minus strand). Cytogenetic location: 7p22.1.
Variant type: single nucleotide variant.
Coding change: c.942T>C on transcript NM_000535.7 (MANE Select); coding-DNA position 942, T replaced by C.
Protein change: p.Asn314=; no amino-acid change (asparagine 314 retained).
Molecular consequence: synonymous variant. On other transcripts: non-coding transcript variant (1), intron variant (1).
Genome position (GRCh38, 1-based): chr7:5,992,019, A>G on the plus strand (T>C on the coding strand, the complement: PMS2 is on the minus strand). VCF-style: chr7-5992019-A-G. GRCh37 (hg19) VCF-style: chr7-6031650-A-G.
Other names: c.537T>C, p.Asn179= (NM_001322003.2, NM_001322004.2, NM_001322005.2 and 19 more transcripts); c.942T>C, p.Asn314= (NM_001322006.2, NM_001322014.2, NM_001406870.1 and 2 more transcripts); c.624T>C, p.Asn208= (NM_001322007.2, NM_001322008.2, NM_001406876.1 and 4 more transcripts); c.9T>C, p.Asn3= (NM_001322011.2, NM_001322012.2); c.369T>C, p.Asn123= (NM_001322013.2, NM_001406909.1); c.633T>C, p.Asn211= (NM_001322015.2, NM_001406875.1, NM_001406877.1 and 6 more transcripts); c.1128T>C, p.Asn376= (NM_001406866.1); c.966T>C, p.Asn322= (NM_001406868.1); and 8 more.
Identifiers: ClinVar variation 3903454 (VCV003903454.2).
Genomic context (GRCh38, chr7:5,992,019, plus strand): 5'-CCAATGGAACTTACCTGAATCAACAGAAATGTTAAGAACAACAAATGGATACTGGTGTCG[A>G]TTATACATGTGGTAGACCTCATTCACGAGTCTGCAGACCTGCACAAAATACAAGGAGTAG-3'
Protein context (NP_000526.2, residues 304-324): RLVNEVYHMY[Asn314=]RHQYPFVVLN

ClinVar aggregate classification (germline): Benign/Likely benign. Review status: criteria provided, multiple submitters, no conflicts (2 of 4 stars). 2 submissions from 2 submitters: Benign (1); Likely benign (1). Last evaluated 2025-04-22.

Conditions:
Hereditary nonpolyposis colorectal neoplasms. Identifiers: MedGen C0009405, MeSH D003123.
Lynch syndrome 4 (LYNCH4). Also called: Hereditary non-polyposis colorectal cancer, type 4; Colorectal cancer, hereditary nonpolyposis, type 4. Identifiers: Orphanet 144, MedGen C1838333, MONDO:0013699, OMIM 614337. Disease mechanism: loss of function.

Submissions (2):

Labcorp Genetics (formerly Invitae), Labcorp
Classification: Likely benign for Hereditary nonpolyposis colorectal neoplasms. Last evaluated: 2025-04-22. Review status: criteria provided, single submitter. Criteria: Invitae Variant Classification Sherloc (09022015). Collection method: clinical testing. Allele origin: germline.

Myriad Genetics, Inc.
Classification: Benign for Lynch syndrome 4. Last evaluated: 2025-01-29. Review status: criteria provided, single submitter. Criteria: Myriad Autosomal Dominant, Autosomal Recessive and X-Linked Classification Criteria (2023). Collection method: clinical testing. Allele origin: unknown.
Comment: This variant is considered benign. This variant is a silent/synonymous amino acid change and it is not expected to impact splicing.